The following is an entry in ClinVar:

ClinVar aggregate classification (germline): Uncertain significance (1 of 4 stars; one submission).

Submission:

GeneDx
Classification: Uncertain significance. Last evaluated: 2025-03-12. Review status: criteria provided, single submitter. Criteria: GeneDx Variant Classification Process June 2021. Collection method: clinical testing. Allele origin: germline. Affected: yes.
Comment: Not observed at significant frequency in large population cohorts (gnomAD); In silico analysis supports that this missense variant has a deleterious effect on protein structure/function; Has not been previously published as pathogenic or benign to our knowledge

NM_000170.3(GLDC):c.2999G>A (p.Cys1000Tyr)

Gene: GLDC (glycine decarboxylase; minus strand). Cytogenetic location: 9p24.1.
Variant type: single nucleotide variant.
Coding change: c.2999G>A on transcript NM_000170.3 (MANE Select); coding-DNA position 2999, G replaced by A.
Protein change: p.Cys1000Tyr; replaces cysteine 1000 with tyrosine.
Molecular consequence: missense variant.
Genome position (GRCh38, 1-based): chr9:6,533,081, C>T on the plus strand (G>A on the coding strand, the complement: GLDC is on the minus strand). VCF-style: chr9-6533081-C-T. GRCh37 (hg19) VCF-style: chr9-6533081-C-T.
Other names: short protein forms C1000Y.
Identifiers: ClinVar variation 4083207 (VCV004083207.1).